The following is an entry in ClinVar:

NM_016156.6(MTMR2):c.408A>C (p.Glu136Asp)

Gene: MTMR2 (myotubularin related protein 2; minus strand). Cytogenetic location: 11q21.
Variant type: single nucleotide variant.
Coding change: c.408A>C on transcript NM_016156.6 (MANE Select); coding-DNA position 408, A replaced by C.
Protein change: p.Glu136Asp; replaces glutamic acid 136 with aspartic acid.
Molecular consequence: missense variant.
Genome position (GRCh38, 1-based): chr11:95,862,052, T>G on the plus strand (A>C on the coding strand, the complement: MTMR2 is on the minus strand). VCF-style: chr11-95862052-T-G. GRCh37 (hg19) VCF-style: chr11-95595216-T-G.
Other names: c.192A>C, p.Glu64Asp (NM_001243571.2, NM_201278.3, NM_201281.3); short protein forms E136D, E64D.
Identifiers: ClinVar variation 543337 (VCV000543337.8), dbSNP rs1555065024, ClinGen allele CA382429539.
Genomic context (GRCh38, chr11:95,862,052, plus strand): 5'-CTTACACACAGTTTCTAGTCCATAAGAATTTTCACCTCGACTAGAAGCACCACCAATTTT[T>G]TCTACTCTATTTATCACACCAAGGGAAGCATCTAAAACAAATGGGGGATCCTAAAGAAGG-3'
Protein context (NP_057240.3, residues 126-146): DASLGVINRV[Glu136Asp]KIGGASSRGE

ClinVar aggregate classification (germline): Uncertain significance. Review status: criteria provided, multiple submitters, no conflicts (2 of 4 stars). 2 submissions from 2 submitters: Uncertain significance (2). Last evaluated 2021-08-27.

Conditions:
Charcot-Marie-Tooth disease type 4. Also called: Charcot-Marie-Tooth, Type 4; Charcot-Marie-Tooth disease, type IV. Identifiers: Orphanet 64749, MedGen C4082197, MONDO:0018995.
Inborn genetic diseases. Identifiers: MedGen C0950123, MeSH D030342.

Allele frequency attached by ClinVar (database versions not stated): TOPMed below 0.00001; gnomAD exomes 0.00001.
gnomAD v4.1: 6 of 1,613,980 alleles (0.00037%); highest among the groups gnomAD compares: Non-Finnish European, 0.00051%; no homozygotes.

Submissions (2):

Labcorp Genetics (formerly Invitae), Labcorp
Classification: Uncertain significance for Charcot-Marie-Tooth disease type 4. Last evaluated: 2021-08-27. Review status: criteria provided, single submitter. Criteria: Invitae Variant Classification Sherloc (09022015). Collection method: clinical testing. Allele origin: germline.
Comment: This sequence change replaces glutamic acid with aspartic acid at codon 136 of the MTMR2 protein (p.Glu136Asp). The glutamic acid residue is highly conserved and there is a small physicochemical difference between glutamic acid and aspartic acid. This variant is not present in population databases (ExAC no frequency). This variant has not been reported in the literature in individuals affected with MTMR2-related conditions. Algorithms developed to predict the effect of missense changes on protein structure and function are either unavailable or do not agree on the potential impact of this missense change (SIFT: "Deleterious"; PolyPhen-2: "Benign"; Align-GVGD: "Class C15"). In summary, the available evidence is currently insufficient to determine the role of this variant in disease. Therefore, it has been classified as a Variant of Uncertain Significance.

Ambry Genetics
Classification: Uncertain significance for Inborn genetic diseases. Last evaluated: 2020-06-16. Review status: criteria provided, single submitter. Criteria: Ambry Variant Classification Scheme 2023. Collection method: clinical testing. Allele origin: germline.
Comment: The p.E136D variant (also known as c.408A>C), located in coding exon 5 of the MTMR2 gene, results from an A to C substitution at nucleotide position 408. The glutamic acid at codon 136 is replaced by aspartic acid, an amino acid with highly similar properties. This amino acid position is highly conserved in available vertebrate species. In addition, the in silico prediction for this alteration is inconclusive. Since supporting evidence is limited at this time, the clinical significance of this alteration remains unclear.